The following is an entry in ClinVar:

ClinVar aggregate classification (germline): Pathogenic (1 of 4 stars; one submission).

Submission:

GeneDx
Classification: Pathogenic. Last evaluated: 2024-05-22. Review status: criteria provided, single submitter. Criteria: GeneDx Variant Classification Process June 2021. Collection method: clinical testing. Allele origin: germline. Affected: yes.
Comment: Published functional studies demonstrate a damaging effect, as in vitro studies demonstrate that G1629E has an increased susceptibility to proteolysis compared to wild type and destabilizes the A2-domain-fold (PMID: 16322474, 28076816); Not observed at significant frequency in large population cohorts (gnomAD); In silico analysis supports that this missense variant has a deleterious effect on protein structure/function; This variant is associated with the following publications: (PMID: 29186156, 19817991, 26840720, 28076816, 16322474)

NM_000552.5(VWF):c.4886G>A (p.Gly1629Glu)

Gene: VWF (von Willebrand factor; minus strand). Cytogenetic location: 12p13.31.
Variant type: single nucleotide variant.
Coding change: c.4886G>A on transcript NM_000552.5 (MANE Select); coding-DNA position 4886, G replaced by A.
Protein change: p.Gly1629Glu; replaces glycine 1629 with glutamic acid.
Molecular consequence: missense variant.
Genome position (GRCh38, 1-based): chr12:6,018,532, C>T on the plus strand (G>A on the coding strand, the complement: VWF is on the minus strand). VCF-style: chr12-6018532-C-T. GRCh37 (hg19) VCF-style: chr12-6127698-C-T.
Other names: short protein forms G1629E.
Identifiers: ClinVar variation 3381369 (VCV003381369.1).
Genomic context (GRCh38, chr12:6,018,532, plus strand): 5'-ATAGGGGCATTGGGCCAGCCAATCCTCTCCAGCTCCTGCACGTTGGCATTAGGGCCCACT[C>T]CAATGGGCACCACCTGGATGTCTCCAGGCAGCCTCTTGATCTCATCAGAGGCAGGATTTC-3'
Protein context (NP_000543.3, residues 1619-1639): LPGDIQVVPI[Gly1629Glu]VGPNANVQEL